The following is an entry in ClinVar:

NC_000016.9:g.(?_23634280)_(23641800_?)del

Gene: PALB2 (partner and localizer of BRCA2; minus strand). Cytogenetic location: 16p12.2.
Variant type: Deletion.
Identifiers: ClinVar variation 1072091 (VCV001072091.7).

ClinVar aggregate classification (germline): Pathogenic (1 of 4 stars; one submission).

Conditions:
Familial cancer of breast. Also called: Hereditary breast cancer; hereditary breast carcinoma; BREAST CANCER, FAMILIAL. Identifiers: Orphanet 227535, MedGen C0346153, MONDO:0016419, OMIM 114480. Disease mechanism: loss of function.

Submission:

Labcorp Genetics (formerly Invitae), Labcorp
Classification: Pathogenic for Familial cancer of breast. Last evaluated: 2022-10-13. Review status: criteria provided, single submitter. Criteria: Invitae Variant Classification Sherloc (09022015). Collection method: clinical testing. Allele origin: germline.
Comment: This variant has not been reported in the literature in individuals affected with PALB2-related conditions. This variant is a gross deletion of the genomic region encompassing exon(s) 5-9 of the PALB2 gene. This deletion is out-of-frame, and is expected to create a premature termination codon and result in an absent or disrupted protein product. Loss-of-function variants in PALB2 are known to be pathogenic (PMID: 17200668, 17200671, 17200672, 24136930, 25099575). For these reasons, this variant has been classified as Pathogenic.

Literature cited by the submitters: PubMed 17200668; PubMed 17200671; PubMed 17200672; PubMed 24136930; PubMed 25099575.